The following is an entry in ClinVar:

NM_152564.5(VPS13B):c.3521G>A (p.Cys1174Tyr)

Gene: VPS13B (vacuolar protein sorting 13 homolog B; plus strand). Cytogenetic location: 8q22.2.
Variant type: single nucleotide variant.
Coding change: c.3521G>A on transcript NM_152564.5 (MANE Select); coding-DNA position 3521, G replaced by A.
Protein change: p.Cys1174Tyr; replaces cysteine 1174 with tyrosine.
Molecular consequence: missense variant.
Genome position (GRCh38, 1-based): chr8:99,467,489, G>A. VCF-style: chr8-99467489-G-A. GRCh37 (hg19) VCF-style: chr8-100479717-G-A.
Other names: c.3521G>A, p.Cys1174Tyr (NM_017890.5); short protein forms C1174Y.
Identifiers: ClinVar variation 838436 (VCV000838436.11), dbSNP rs1819171069, ClinGen allele CA371866063.
Genomic context (GRCh38, chr8:99,467,489, plus strand): 5'-GGACGATCAGCTTGCATAATTTCAGCATATATACCCTTCTTGGAAAACAAGTGACACTTT[G>A]CCTAGTGGAACCTATGGGTTGCACCTCCACTCTAGCTGTCACGTCTCAAAAACTGCTTGC-3'
Protein context (NP_689777.3, residues 1164-1184): YTLLGKQVTL[Cys1174Tyr]LVEPMGCTST

ClinVar aggregate classification (germline): Uncertain significance (1 of 4 stars; one submission).

Conditions:
Cohen syndrome (COH1). Also called: Cutis verticis gyrata, retinitis pigmentosa, and sensorineural deafness; PEPPER SYNDROME. Identifiers: Orphanet 193, MedGen C0265223, MONDO:0008999, OMIM 216550.

Allele frequency attached by ClinVar (database versions not stated): gnomAD exomes below 0.00001.
gnomAD v4.1: 1 of 1,613,678 alleles (0.000062%); highest among the groups gnomAD compares: African/African-American, 0.0013%; no homozygotes.

Submission:

Labcorp Genetics (formerly Invitae), Labcorp
Classification: Uncertain significance for Cohen syndrome. Last evaluated: 2024-12-16. Review status: criteria provided, single submitter. Criteria: Invitae Variant Classification Sherloc (09022015). Collection method: clinical testing. Allele origin: germline.
Comment: This sequence change replaces cysteine, which is neutral and slightly polar, with tyrosine, which is neutral and polar, at codon 1174 of the VPS13B protein (p.Cys1174Tyr). This variant is not present in population databases (gnomAD no frequency). This variant has not been reported in the literature in individuals affected with VPS13B-related conditions. ClinVar contains an entry for this variant (Variation ID: 838436). Invitae Evidence Modeling of protein sequence and biophysical properties (such as structural, functional, and spatial information, amino acid conservation, physicochemical variation, residue mobility, and thermodynamic stability) indicates that this missense variant is not expected to disrupt VPS13B protein function with a negative predictive value of 80%. In summary, the available evidence is currently insufficient to determine the role of this variant in disease. Therefore, it has been classified as a Variant of Uncertain Significance.